The following is an entry in ClinVar:

NM_001195605.2(ZNF865):c.275C>T (p.Pro92Leu)

Gene: ZNF865 (zinc finger protein 865; plus strand). Cytogenetic location: 19q13.42.
Variant type: single nucleotide variant.
Coding change: c.275C>T on transcript NM_001195605.2 (MANE Select); coding-DNA position 275, C replaced by T.
Protein change: p.Pro92Leu; replaces proline 92 with leucine.
Molecular consequence: missense variant.
Genome position (GRCh38, 1-based): chr19:55,613,893, C>T. VCF-style: chr19-55613893-C-T. GRCh37 (hg19) VCF-style: chr19-56125259-C-T.
Other names: short protein forms P92L.
Identifiers: ClinVar variation 5008124 (VCV005008124.1).

ClinVar aggregate classification (germline): Uncertain significance (1 of 4 stars; one submission).

Submission:

GeneDx
Classification: Uncertain significance. Last evaluated: 2026-02-12. Review status: criteria provided, single submitter. Criteria: GeneDx Variant Classification Process June 2021. Collection method: clinical testing. Allele origin: germline.
Comment: Not observed at significant frequency in large population cohorts (gnomAD); In silico analysis suggests that this missense variant does not alter protein structure/function; Has not been previously published as pathogenic or benign to our knowledge